The following is an entry in ClinVar:

NM_004380.3(CREBBP):c.6773G>A (p.Gly2258Asp)

Gene: CREBBP (CREB binding lysine acetyltransferase; minus strand). Cytogenetic location: 16p13.3.
Variant type: single nucleotide variant.
Coding change: c.6773G>A on transcript NM_004380.3 (MANE Select); coding-DNA position 6773, G replaced by A.
Protein change: p.Gly2258Asp; replaces glycine 2258 with aspartic acid.
Molecular consequence: missense variant.
Genome position (GRCh38, 1-based): chr16:3,728,274, C>T on the plus strand (G>A on the coding strand, the complement: CREBBP is on the minus strand). VCF-style: chr16-3728274-C-T. GRCh37 (hg19) VCF-style: chr16-3778275-C-T.
Other names: c.6659G>A, p.Gly2220Asp (NM_001079846.1); short protein forms G2220D, G2258D.
Identifiers: ClinVar variation 3373442 (VCV003373442.3).

ClinVar aggregate classification (germline): Uncertain significance. Review status: criteria provided, multiple submitters, no conflicts (2 of 4 stars). 2 submissions from 2 submitters: Uncertain significance (2). Last evaluated 2026-03-21.

Conditions:
CREBBP-related disorder. Also called: CREBBP-related disorders; CREBBP-related condition.

Submissions (2):

PreventionGenetics, part of Exact Sciences
Classification: Uncertain significance for CREBBP-related condition. Last evaluated: 2026-03-21. Review status: criteria provided, single submitter. Criteria: ACMG Guidelines, 2015. Collection method: clinical testing. Allele origin: germline.
Comment: The CREBBP c.6773G>A variant is predicted to result in the amino acid substitution p.Gly2258Asp. To our knowledge, this variant has not been reported in the literature or in a large population database, indicating this variant is rare. At this time, the clinical significance of this variant is uncertain due to the absence of conclusive functional and genetic evidence.

GeneDx
Classification: Uncertain significance. Last evaluated: 2025-11-29. Review status: criteria provided, single submitter. Criteria: GeneDx Variant Classification Process June 2021. Collection method: clinical testing. Allele origin: germline. Affected: yes.
Comment: Not observed at significant frequency in large population cohorts (gnomAD); In silico analysis suggests that this missense variant does not alter protein structure/function; Has not been previously published as pathogenic or benign to our knowledge